The following is an entry in ClinVar:

NM_001128205.2(SULF1):c.2427+3A>G

Gene: SULF1 (sulfatase 1; plus strand). Cytogenetic location: 8q13.3.
Variant type: single nucleotide variant.
Coding change: c.2427+3A>G on transcript NM_001128205.2 (MANE Select); 3 bases into the intron after coding-DNA position 2427, A replaced by G.
Molecular consequence: intron variant.
Genome position (GRCh38, 1-based): chr8:69,638,647, A>G. VCF-style: chr8-69638647-A-G. GRCh37 (hg19) VCF-style: chr8-70550882-A-G.
Other names: c.2427+3A>G (NM_001412835.1, NM_015170.3, NM_001412828.1 and 7 more transcripts); c.2285-88A>G (NM_001412851.1, NM_001412850.1); c.2370+3A>G (NM_001412836.1, NM_001412837.1); c.2298+3A>G (NM_001412839.1, NM_001412838.1, NM_001412832.1 and 1 more transcripts); c.1827+3A>G (NM_001412845.1, NM_001412844.1); c.636+3A>G (NM_001412846.1); c.2241+3A>G (NM_001412841.1, NM_001412842.1).
Identifiers: ClinVar variation 2810719 (VCV002810719.3), dbSNP rs1811234858, ClinGen allele CA1791962944.

ClinVar aggregate classification (germline): Uncertain significance (1 of 4 stars; one submission).

Submission:

Labcorp Genetics (formerly Invitae), Labcorp
Classification: Uncertain significance. Last evaluated: 2023-04-01. Review status: criteria provided, single submitter. Criteria: Invitae Variant Classification Sherloc (09022015). Collection method: clinical testing. Allele origin: germline.
Comment: In summary, the available evidence is currently insufficient to determine the role of this variant in disease. Therefore, it has been classified as a Variant of Uncertain Significance. Variants that disrupt the consensus splice site are a relatively common cause of aberrant splicing (PMID: 17576681, 9536098). Algorithms developed to predict the effect of sequence changes on RNA splicing suggest that this variant is not likely to affect RNA splicing. This variant has not been reported in the literature in individuals affected with SULF1-related conditions. This variant is not present in population databases (gnomAD no frequency). This sequence change falls in intron 20 of the SULF1 gene. It does not directly change the encoded amino acid sequence of the SULF1 protein. It affects a nucleotide within the consensus splice site.

Literature cited by the submitters: PubMed 17576681; PubMed 9536098.